The following is an entry in ClinVar:

NM_001943.5(DSG2):c.772G>T (p.Val258Phe)

Gene: DSG2 (desmoglein 2; plus strand). Cytogenetic location: 18q12.1.
Variant type: single nucleotide variant.
Coding change: c.772G>T on transcript NM_001943.5 (MANE Select); coding-DNA position 772, G replaced by T.
Protein change: p.Val258Phe; replaces valine 258 with phenylalanine.
Molecular consequence: missense variant.
Genome position (GRCh38, 1-based): chr18:31,524,529, G>T. VCF-style: chr18-31524529-G-T. GRCh37 (hg19) VCF-style: chr18-29104492-G-T.
Other names: c.772G>T (LRG_397t1); short protein forms V258F.
Identifiers: ClinVar variation 410372 (VCV000410372.8), dbSNP rs1060502865, ClinGen allele CA16615802.

ClinVar aggregate classification (germline): Uncertain significance (1 of 4 stars; one submission).

Conditions:
Arrhythmogenic right ventricular dysplasia 10. Also called: Arrhythmogenic Right Ventricular Dysplasia/Cardiomyopathy10; ARRHYTHMOGENIC RIGHT VENTRICULAR DYSPLASIA, FAMILIAL, 10; Arrhythmogenic right ventricular dysplasia/cardiomyopathy, type 10. Identifiers: MedGen C1857777, MONDO:0012434, OMIM 610193.

Allele frequency attached by ClinVar (database versions not stated): gnomAD exomes below 0.00001.
gnomAD v4.1: 1 of 1,614,066 alleles (0.000062%); highest among the groups gnomAD compares: Non-Finnish European, 0.000085%; no homozygotes.

Submission:

Labcorp Genetics (formerly Invitae), Labcorp
Classification: Uncertain significance for Arrhythmogenic right ventricular dysplasia 10. Last evaluated: 2022-09-17. Review status: criteria provided, single submitter. Criteria: Invitae Variant Classification Sherloc (09022015). Collection method: clinical testing. Allele origin: germline.
Comment: This variant has not been reported in the literature in individuals affected with DSG2-related conditions. In summary, the available evidence is currently insufficient to determine the role of this variant in disease. Therefore, it has been classified as a Variant of Uncertain Significance. Advanced modeling of protein sequence and biophysical properties (such as structural, functional, and spatial information, amino acid conservation, physicochemical variation, residue mobility, and thermodynamic stability) performed at Invitae indicates that this missense variant is not expected to disrupt DSG2 protein function. ClinVar contains an entry for this variant (Variation ID: 410372). This variant is not present in population databases (gnomAD no frequency). This sequence change replaces valine, which is neutral and non-polar, with phenylalanine, which is neutral and non-polar, at codon 258 of the DSG2 protein (p.Val258Phe).